The following is an entry in ClinVar:

NM_000702.4(ATP1A2):c.2108A>C (p.Gln703Pro)

Gene: ATP1A2 (ATPase Na+/K+ transporting subunit alpha 2; plus strand). Cytogenetic location: 1q23.2.
Variant type: single nucleotide variant.
Coding change: c.2108A>C on transcript NM_000702.4 (MANE Select); coding-DNA position 2108, A replaced by C.
Protein change: p.Gln703Pro; replaces glutamine 703 with proline.
Molecular consequence: missense variant.
Genome position (GRCh38, 1-based): chr1:160,135,288, A>C. VCF-style: chr1-160135288-A-C. GRCh37 (hg19) VCF-style: chr1-160105078-A-C.
Other names: short protein forms Q703P.
Identifiers: ClinVar variation 3648877 (VCV003648877.2).

ClinVar aggregate classification (germline): Uncertain significance (1 of 4 stars; one submission).

Conditions:
Familial hemiplegic migraine. Identifiers: MedGen C0338484, MONDO:0000700.

Submission:

Labcorp Genetics (formerly Invitae), Labcorp
Classification: Uncertain significance for Familial hemiplegic migraine. Last evaluated: 2024-04-05. Review status: criteria provided, single submitter. Criteria: Invitae Variant Classification Sherloc (09022015). Collection method: clinical testing. Allele origin: germline.
Comment: This sequence change replaces glutamine, which is neutral and polar, with proline, which is neutral and non-polar, at codon 703 of the ATP1A2 protein (p.Gln703Pro). This variant is not present in population databases (gnomAD no frequency). This variant has not been reported in the literature in individuals affected with ATP1A2-related conditions. Advanced modeling of protein sequence and biophysical properties (such as structural, functional, and spatial information, amino acid conservation, physicochemical variation, residue mobility, and thermodynamic stability) performed at Invitae indicates that this missense variant is expected to disrupt ATP1A2 protein function with a positive predictive value of 80%. In summary, the available evidence is currently insufficient to determine the role of this variant in disease. Therefore, it has been classified as a Variant of Uncertain Significance.